The following is an entry in ClinVar:

NM_001348716.2(KDM6B):c.3726C>T (p.Thr1242=)

Genes: KDM6B (lysine demethylase 6B; plus strand), LOC121587574 (Sharpr-MPRA regulatory region 3930; plus strand). Cytogenetic location: 17p13.1.
Variant type: single nucleotide variant.
Coding change: c.3726C>T on transcript NM_001348716.2 (MANE Select); coding-DNA position 3726, C replaced by T.
Protein change: p.Thr1242=; no amino-acid change (threonine 1242 retained).
Molecular consequence: synonymous variant.
Genome position (GRCh38, 1-based): chr17:7,851,073, C>T. VCF-style: chr17-7851073-C-T. GRCh37 (hg19) VCF-style: chr17-7754391-C-T.
Other names: c.3726C>T, p.Thr1242= (NM_001080424.2).
Identifiers: ClinVar variation 3046960 (VCV003046960.16), dbSNP rs775917300, ClinGen allele CA8361248.
Genomic context (GRCh38, chr17:7,851,073, plus strand): 5'-CCTTCCAGACTTGGGCCTCTTCTCCACCAAGACCCTGGTGGAAGCGAGTGGCGAACACAC[C>T]GTGGAAGTTCGCACCCAGGTGCAGCAGCCCTCAGATGAGAACTGGGATCTGACAGGCACT-3'
Protein context (NP_001335645.1, residues 1232-1252): KTLVEASGEH[Thr1242=]VEVRTQVQQP

ClinVar aggregate classification (germline): Likely benign. Review status: criteria provided, single submitter (1 of 4 stars). 2 submissions from 2 submitters: Likely benign (1). 1 of the submissions does not count toward it. Last evaluated 2026-02-01.

Conditions:
KDM6B-related disorder. Also called: KDM6B-related condition.

Allele frequency attached by ClinVar (database versions not stated): ExAC 0.00003.
gnomAD v4.1: 47 of 1,613,220 alleles (0.0029%); highest among the groups gnomAD compares: Middle Eastern, 0.016%; no homozygotes.

Submissions (2):

CeGaT Center for Human Genetics Tuebingen
Classification: Likely benign. Last evaluated: 2026-02-01. Review status: criteria provided, single submitter. Criteria: CeGaT Center For Human Genetics Tuebingen Variant Classification Criteria Version 2. Collection method: clinical testing. Allele origin: germline. Affected: yes. Observed: 2 variant alleles.
Comment: KDM6B: BP4, BP7

PreventionGenetics, part of Exact Sciences
Classification: Likely benign for KDM6B-related condition. Last evaluated: 2019-03-25. Review status: no assertion criteria provided. Collection method: clinical testing. Allele origin: germline. Not counted in ClinVar's aggregate classification.
Comment: This variant is classified as likely benign based on ACMG/AMP sequence variant interpretation guidelines (Richards et al. 2015 PMID: 25741868, with internal and published modifications).